The following is an entry in ClinVar:

ClinVar aggregate classification (germline): Likely benign. Review status: reviewed by expert panel (3 of 4 stars). 5 submissions from 5 submitters: Likely benign (1). 4 of the submissions do not count toward it. Last evaluated 2017-06-29.

Conditions:
Hereditary cancer-predisposing syndrome. Also called: Hereditary Cancer Syndrome; Neoplastic Syndromes, Hereditary; Tumor predisposition; Hereditary neoplastic syndrome. Identifiers: Orphanet 140162, MedGen C0027672, MeSH D009386, MONDO:0015356.
Breast-ovarian cancer, familial, susceptibility to, 2 (BROVCA2). Also called: BRCA2 Hereditary Breast and Ovarian Cancer. Identifiers: Orphanet 145, MedGen C2675520, MONDO:0012933, OMIM 612555. Disease mechanism: loss of function.
Hereditary breast ovarian cancer syndrome. Also called: Hereditary breast and/or ovarian cancer syndrome; BRCA1- and BRCA2-Associated Hereditary Breast and Ovarian Cancer; Hereditary breast and ovarian cancer syndrome (HBOC); Hereditary breast and ovarian cancer; Hereditary breast and ovarian cancer syndrome; Breast and ovarian cancer. Identifiers: Orphanet 145, MedGen C0677776, MeSH D061325, MONDO:0003582. Disease mechanism: loss of function.

Allele frequency attached by ClinVar (database versions not stated): gnomAD exomes below 0.00001; TOPMed below 0.00001.
gnomAD v4.1: 2 of 1,614,092 alleles (0.00012%); highest among the groups gnomAD compares: Admixed American, 0.0033%; no homozygotes.

Submissions (5):

Evidence-based Network for the Interpretation of Germline Mutant Alleles (ENIGMA)
Classification: Likely benign for Breast-ovarian cancer, familial, susceptibility to, 2. Last evaluated: 2017-06-29. Review status: reviewed by expert panel. Criteria: ENIGMA BRCA1/2 Classification Criteria (2017-06-29). Collection method: curation. Allele origin: germline.
Comment: Synonymous substitution variant, with low bioinformatic likelihood to result in a splicing aberration (Splicing prior probability 0.02).

Labcorp Genetics (formerly Invitae), Labcorp
Classification: Likely benign for Hereditary breast ovarian cancer syndrome. Last evaluated: 2024-07-16. Review status: criteria provided, single submitter. Criteria: Invitae Variant Classification Sherloc (09022015). Collection method: clinical testing. Allele origin: germline. Not counted in ClinVar's aggregate classification.

Color Diagnostics, LLC DBA Color Health
Classification: Likely benign for Hereditary cancer-predisposing syndrome. Last evaluated: 2020-03-02. Review status: criteria provided, single submitter. Criteria: ACMG Guidelines, 2015. Collection method: clinical testing. Allele origin: germline. Not counted in ClinVar's aggregate classification.

GeneDx
Classification: Likely benign. Last evaluated: 2018-02-01. Review status: criteria provided, single submitter. Criteria: GeneDx Variant Classification (06012015). Collection method: clinical testing. Allele origin: germline. Affected: yes. Not counted in ClinVar's aggregate classification.
Comment: This variant is considered likely benign or benign based on one or more of the following criteria: it is a conservative change, it occurs at a poorly conserved position in the protein, it is predicted to be benign by multiple in silico algorithms, and/or has population frequency not consistent with disease.

Ambry Genetics
Classification: Likely benign for Hereditary cancer-predisposing syndrome. Last evaluated: 2015-03-03. Review status: criteria provided, single submitter. Criteria: Ambry Variant Classification Scheme 2023. Collection method: clinical testing. Allele origin: germline. Not counted in ClinVar's aggregate classification.

NM_000059.4(BRCA2):c.3525G>A (p.Gln1175=)

Gene: BRCA2 (BRCA2 DNA repair associated; plus strand). Cytogenetic location: 13q13.1.
Variant type: single nucleotide variant.
Coding change: c.3525G>A on transcript NM_000059.4 (MANE Select); coding-DNA position 3525, G replaced by A.
Protein change: p.Gln1175=; no amino-acid change (glutamine 1175 retained).
Molecular consequence: synonymous variant.
Genome position (GRCh38, 1-based): chr13:32,337,880, G>A. VCF-style: chr13-32337880-G-A. GRCh37 (hg19) VCF-style: chr13-32912017-G-A.
Identifiers: ClinVar variation 230857 (VCV000230857.18), dbSNP rs876658812, ClinGen allele CA10579581.
Genomic context (GRCh38, chr13:32,337,880, plus strand): 5'-TTCTGAGGAATGCAGAGATGCTGATCTTCATGTCATAATGAATGCCCCATCGATTGGTCA[G>A]GTAGACAGCAGCAAGCAATTTGAAGGTACAGTTGAAATTAAACGGAAGTTTGCTGGCCTG-3'
Protein context (NP_000050.3, residues 1165-1185): HVIMNAPSIG[Gln1175=]VDSSKQFEGT